The following is an entry in ClinVar:

NM_001927.3(DES):c.-230C>T

Genes: DES (desmin; plus strand), DES-LCR (desmin locus control region; plus strand). Cytogenetic location: 2q35.
Variant type: single nucleotide variant.
Coding change: c.-230C>T on transcript NM_001927.3; 230 bases upstream of the start codon, C replaced by T.
Genome position (GRCh38, 1-based): chr2:219,418,233, C>T. VCF-style: chr2-219418233-C-T. GRCh37 (hg19) VCF-style: chr2-220282955-C-T.
Identifiers: ClinVar variation 672013 (VCV000672013.4), dbSNP rs2070927, ClinGen allele CA16127468.

ClinVar aggregate classification (germline): Benign. Review status: criteria provided, multiple submitters, no conflicts (2 of 4 stars). 2 submissions from 2 submitters: Benign (2). Last evaluated 2018-06-13.

Allele frequency attached by ClinVar (database versions not stated): 1000 Genomes Project 30x 0.52233; gnomAD 0.52269 and 0.50826; gnomAD exomes 0.66054; TOPMed 0.49423; 1000 Genomes Project 0.53994.

Submissions (2):

GeneDx
Classification: Benign. Last evaluated: 2018-06-13. Review status: criteria provided, single submitter. Criteria: GeneDx Variant Classification (06012015). Collection method: clinical testing. Allele origin: germline. Affected: yes.
Comment: This variant is considered likely benign or benign based on one or more of the following criteria: it is a conservative change, it occurs at a poorly conserved position in the protein, it is predicted to be benign by multiple in silico algorithms, and/or has population frequency not consistent with disease.

Breakthrough Genomics
Classification: Benign. Review status: criteria provided, single submitter. Criteria: ACMG Guidelines, 2015. Collection method: not provided. Allele origin: germline. Inheritance: Autosomal recessive inheritance. Affected: yes.